The following is an entry in ClinVar:

NM_001009944.3(PKD1):c.360-1G>T

Gene: PKD1 (polycystin 1, transient receptor potential channel interacting; minus strand). Cytogenetic location: 16p13.3.
Variant type: single nucleotide variant.
Coding change: c.360-1G>T on transcript NM_001009944.3 (MANE Select); the canonical splice acceptor site of the intron before coding-DNA position 360, G replaced by T.
Molecular consequence: splice acceptor variant.
Genome position (GRCh38, 1-based): chr16:2,118,846, C>A on the plus strand (G>T on the coding strand, the complement: PKD1 is on the minus strand). VCF-style: chr16-2118846-C-A. GRCh37 (hg19) VCF-style: chr16-2168847-C-A.
Other names: c.360-1G>T (NM_000296.4).
Identifiers: ClinVar variation 4796790 (VCV004796790.1).

ClinVar aggregate classification (germline): Pathogenic (1 of 4 stars; one submission).

Conditions:
Polycystic kidney disease, adult type (PKD1). Also called: Polycystic Kidney, Autosomal Dominant; POLYCYSTIC KIDNEY DISEASE, ADULT, TYPE I; Polycystic Kidney Disease 1, Autosomal Dominant; Polycystic kidney disease 1; Polycystic kidney disease 1, severe; POLYCYSTIC KIDNEY DISEASE 1 WITH OR WITHOUT POLYCYSTIC LIVER DISEASE. Identifiers: MedGen C3149841, MONDO:0008263, OMIM 173900.

Submission:

MVZ Medizinische Genetik Mainz
Classification: Pathogenic for Polycystic kidney disease, adult type. Last evaluated: 2026-02-05. Review status: criteria provided, single submitter. Criteria: UK Practice Guidelines For Variant Classification V4 01 2020. Collection method: clinical testing. Allele origin: germline. Inheritance: Autosomal dominant inheritance. Affected: yes. Observed: 1 variant allele.
Comment: ACMG Criteria: PVS1,PM2_SUP,PP4